The following is an entry in ClinVar:

ClinVar aggregate classification (germline): Likely benign (1 of 4 stars; one submission).

Allele frequency attached by ClinVar (database versions not stated): TOPMed 0.00001.
gnomAD v4.1: 9 of 1,612,944 alleles (0.00056%); highest among the groups gnomAD compares: South Asian, 0.0022%; no homozygotes.

Submission:

CeGaT Center for Human Genetics Tuebingen
Classification: Likely benign. Last evaluated: 2023-08-01. Review status: criteria provided, single submitter. Criteria: CeGaT Center For Human Genetics Tuebingen Variant Classification Criteria Version 2. Collection method: clinical testing. Allele origin: germline. Affected: yes. Observed: 1 variant allele.
Comment: COL6A2: BP4, BP7

NM_001849.4(COL6A2):c.339C>T (p.Ser113=)

Gene: COL6A2 (collagen type VI alpha 2 chain; plus strand). Cytogenetic location: 21q22.3.
Variant type: single nucleotide variant.
Coding change: c.339C>T on transcript NM_001849.4 (MANE Select); coding-DNA position 339, C replaced by T.
Protein change: p.Ser113=; no amino-acid change (serine 113 retained).
Molecular consequence: synonymous variant.
Genome position (GRCh38, 1-based): chr21:46,112,202, C>T. VCF-style: chr21-46112202-C-T. GRCh37 (hg19) VCF-style: chr21-47532116-C-T.
Other names: c.339C>T, p.Ser113= (NM_058174.3, NM_058175.3).
Identifiers: ClinVar variation 2652797 (VCV002652797.24), dbSNP rs1365013453, ClinGen allele CA513170270.